The following is an entry in ClinVar:

NM_201384.3(PLEC):c.6687G>T (p.Glu2229Asp)

Gene: PLEC (plectin; minus strand). Cytogenetic location: 8q24.3.
Variant type: single nucleotide variant.
Coding change: c.6687G>T on transcript NM_201384.3 (MANE Select); coding-DNA position 6687, G replaced by T.
Protein change: p.Glu2229Asp; replaces glutamic acid 2229 with aspartic acid.
Molecular consequence: missense variant.
Genome position (GRCh38, 1-based): chr8:143,923,242, C>A on the plus strand (G>T on the coding strand, the complement: PLEC is on the minus strand). VCF-style: chr8-143923242-C-A. GRCh37 (hg19) VCF-style: chr8-144997410-C-A.
Other names: c.6768G>T, p.Glu2256Asp (NM_000445.5); c.6645G>T, p.Glu2215Asp (NM_201378.4); c.6621G>T, p.Glu2207Asp (NM_201379.3); c.7098G>T, p.Glu2366Asp (NM_201380.4); c.6591G>T, p.Glu2197Asp (NM_201381.3); c.6687G>T, p.Glu2229Asp (NM_201382.4); c.6699G>T, p.Glu2233Asp (NM_201383.3); short protein forms E2215D, E2233D, E2256D, E2207D, E2197D, E2229D, E2366D.
Identifiers: ClinVar variation 1506024 (VCV001506024.8), dbSNP rs782099387, ClinGen allele CA372532939.

ClinVar aggregate classification (germline): Uncertain significance (1 of 4 stars; one submission).

Conditions:
Epidermolysis bullosa simplex 5B, with muscular dystrophy (EBS5B). Also called: Epidermolysis bullosa simplex with muscular dystrophy; EPIDERMOLYSIS BULLOSA SIMPLEX AND LIMB-GIRDLE MUSCULAR DYSTROPHY. Identifiers: Orphanet 257, MedGen C2931072, MONDO:0009181, OMIM 226670.
Autosomal recessive limb-girdle muscular dystrophy type 2Q (LGMDR17). Also called: MUSCULAR DYSTROPHY, LIMB-GIRDLE, AUTOSOMAL RECESSIVE 17. Identifiers: Orphanet 254361, MedGen C3150989, MONDO:0013390, OMIM 613723.
Epidermolysis bullosa simplex with nail dystrophy (EBS5D). Identifiers: MedGen C4225309, MONDO:0014661, OMIM 616487.
Epidermolysis bullosa simplex 5C, with pyloric atresia (EBS5C). Also called: Epidermolysis bullosa simplex with pyloric atresia; PLEC-Related Epidermolysis Bullosa with Pyloric Atresia; PLEC1-Related Epidermolysis Bullosa with Pyloric Atresia. Identifiers: Orphanet 158684, MedGen C2677349, MONDO:0012807, OMIM 612138.
Epidermolysis bullosa simplex, Ogna type (EBS5A). Also called: EPIDERMOLYSIS BULLOSA SIMPLEX 5A, OGNA TYPE; Pidermolysis bullosa simplex 5A, Ogna type. Identifiers: Orphanet 79401, MedGen C0432317, MONDO:0007555, OMIM 131950.

Submission:

Labcorp Genetics (formerly Invitae), Labcorp
Classification: Uncertain significance for Autosomal recessive limb-girdle muscular dystrophy type 2Q; Epidermolysis bullosa simplex, Ogna type; Epidermolysis bullosa simplex with nail dystrophy; Epidermolysis bullosa simplex 5C, with pyloric atresia; Epidermolysis bullosa simplex 5B, with muscular dystrophy. Last evaluated: 2023-07-14. Review status: criteria provided, single submitter. Criteria: Invitae Variant Classification Sherloc (09022015). Collection method: clinical testing. Allele origin: germline.
Comment: This variant is not present in population databases (gnomAD no frequency). This sequence change replaces glutamic acid, which is acidic and polar, with aspartic acid, which is acidic and polar, at codon 2256 of the PLEC protein (p.Glu2256Asp). This variant has not been reported in the literature in individuals affected with PLEC-related conditions. In summary, the available evidence is currently insufficient to determine the role of this variant in disease. Therefore, it has been classified as a Variant of Uncertain Significance. An algorithm developed to predict the effect of missense changes on protein structure and function (PolyPhen-2) suggests that this variant is likely to be disruptive. ClinVar contains an entry for this variant (Variation ID: 1506024).